The following is an entry in ClinVar:

NM_000363.5(TNNI3):c.11+4A>G

Gene: TNNI3 (troponin I3, cardiac type; minus strand). Cytogenetic location: 19q13.42.
Variant type: single nucleotide variant.
Coding change: c.11+4A>G on transcript NM_000363.5 (MANE Select); 4 bases into the intron after coding-DNA position 11, A replaced by G.
Molecular consequence: intron variant.
Genome position (GRCh38, 1-based): chr19:55,157,575, T>C on the plus strand (A>G on the coding strand, the complement: TNNI3 is on the minus strand). VCF-style: chr19-55157575-T-C. GRCh37 (hg19) VCF-style: chr19-55668943-T-C.
Identifiers: ClinVar variation 2626573 (VCV002626573.2), dbSNP rs2515505147, ClinGen allele CA2582342964.

ClinVar aggregate classification (germline): Uncertain significance (1 of 4 stars; one submission).

Conditions:
Cardiovascular phenotype. Identifiers: MedGen CN230736.

Allele frequency attached by ClinVar (database versions not stated): gnomAD exomes below 0.00001.
gnomAD v4.1: 1 of 1,613,744 alleles (0.000062%); highest among the groups gnomAD compares: African/African-American, 0.0013%; no homozygotes.

Submission:

Ambry Genetics
Classification: Uncertain significance for Cardiovascular phenotype. Last evaluated: 2023-07-06. Review status: criteria provided, single submitter. Criteria: Ambry Variant Classification Scheme 2023. Collection method: clinical testing. Allele origin: germline.
Comment: The c.11+4A>G intronic variant results from an A to G substitution 4 nucleotides after coding exon 1 in the TNNI3 gene. This nucleotide position is well conserved in available vertebrate species. In silico splice site analysis predicts that this alteration may weaken the native splice donor site. Since supporting evidence is limited at this time, the clinical significance of this alteration remains unclear.